The following is an entry in ClinVar:

NM_012280.4(FTSJ1):c.-29G>A

Gene: FTSJ1 (FtsJ RNA 2'-O-methyltransferase 1; plus strand). Cytogenetic location: Xp11.23.
Variant type: single nucleotide variant.
Coding change: c.-29G>A on transcript NM_012280.4 (MANE Select); 29 bases upstream of the start codon, G replaced by A.
Molecular consequence: 5 prime UTR variant. On other transcripts: intron variant (1).
Genome position (GRCh38, 1-based): chrX:48,478,019, G>A. VCF-style: chrX-48478019-G-A. GRCh37 (hg19) VCF-style: chrX-48336407-G-A.
Other names: c.-29G>A (NM_001441195.1, NM_001441196.1, NM_001441197.1 and 4 more transcripts); c.-76-1019G>A (NM_001282157.2).
Identifiers: ClinVar variation 3771129 (VCV003771129.13).

ClinVar aggregate classification (germline): Likely benign (1 of 4 stars; one submission).

gnomAD v4.1: 117 of 1,209,618 alleles (0.0097%); highest among the groups gnomAD compares: Admixed American, 0.026%; 1 homozygote.

Submission:

CeGaT Center for Human Genetics Tuebingen
Classification: Likely benign. Last evaluated: 2025-02-01. Review status: criteria provided, single submitter. Criteria: CeGaT Center For Human Genetics Tuebingen Variant Classification Criteria Version 2. Collection method: clinical testing. Allele origin: germline. Affected: yes. Observed: 1 variant allele.
Comment: FTSJ1: BS2